The following is an entry in ClinVar:

ClinVar aggregate classification (germline): Benign/Likely benign. Review status: criteria provided, multiple submitters, no conflicts (2 of 4 stars). 6 submissions from 6 submitters: Benign (5); Likely benign (1). Last evaluated 2026-02-03.

Conditions:
Genitopatellar syndrome (GTPTS). Also called: Genitopatellar syndrome (GPS); ABSENT PATELLAE, SCROTAL HYPOPLASIA, RENAL ANOMALIES, FACIAL DYSMORPHISM, AND MENTAL RETARDATION. Identifiers: Orphanet 85201, MedGen C1853566, MONDO:0011640, OMIM 606170.

Allele frequency attached by ClinVar (database versions not stated): gnomAD exomes 0.01599 and 0.03494; ESP Exome Variant Server 0.02460; gnomAD 0.03160 and 0.03265; ExAC 0.03284; TOPMed 0.03657; 1000 Genomes Project 30x 0.05981; 1000 Genomes Project 0.06150.
gnomAD v4.1: 28,770 of 1,614,018 alleles (1.8%); highest among the groups gnomAD compares: East Asian, 7%; 685 homozygotes.

Submissions (6):

Labcorp Genetics (formerly Invitae), Labcorp
Classification: Benign for Genitopatellar syndrome. Last evaluated: 2026-02-03. Review status: criteria provided, single submitter. Criteria: Invitae Variant Classification Sherloc (09022015). Collection method: clinical testing. Allele origin: germline.

Blueprint Genetics
Classification: Likely benign. Last evaluated: 2024-11-27. Review status: criteria provided, single submitter. Criteria: ACMG Guidelines, 2015. Collection method: clinical testing. Allele origin: germline.

ARUP Laboratories, Molecular Genetics and Genomics, ARUP Laboratories
Classification: Benign. Last evaluated: 2023-11-11. Review status: criteria provided, single submitter. Criteria: ARUP Molecular Germline Variant Investigation Process 2024. Collection method: clinical testing. Allele origin: germline.

GeneDx
Classification: Benign. Last evaluated: 2016-10-05. Review status: criteria provided, single submitter. Criteria: GeneDx Variant Classification (06012015). Collection method: clinical testing. Allele origin: germline. Affected: yes.
Comment: This variant is considered likely benign or benign based on one or more of the following criteria: it is a conservative change, it occurs at a poorly conserved position in the protein, it is predicted to be benign by multiple in silico algorithms, and/or has population frequency not consistent with disease.

Breakthrough Genomics
Classification: Benign. Review status: criteria provided, single submitter. Criteria: ACMG Guidelines, 2015. Collection method: not provided. Allele origin: germline. Inheritance: Autosomal dominant inheritance. Affected: yes.

PreventionGenetics, part of Exact Sciences
Classification: Benign. Review status: criteria provided, single submitter. Criteria: ACMG Guidelines, 2015. Collection method: clinical testing. Allele origin: germline.

NM_012330.4(KAT6B):c.4278C>T (p.Ala1426=)

Gene: KAT6B (lysine acetyltransferase 6B; plus strand). Cytogenetic location: 10q22.2.
Variant type: single nucleotide variant.
Coding change: c.4278C>T on transcript NM_012330.4 (MANE Select); coding-DNA position 4278, C replaced by T.
Protein change: p.Ala1426=; no amino-acid change (alanine 1426 retained).
Molecular consequence: synonymous variant.
Genome position (GRCh38, 1-based): chr10:75,029,102, C>T. VCF-style: chr10-75029102-C-T. GRCh37 (hg19) VCF-style: chr10-76788860-C-T.
Other names: c.3729C>T, p.Ala1243= (NM_001256468.2, NM_001370138.1); c.3402C>T, p.Ala1134= (NM_001256469.2, NM_001370139.1, NM_001370140.1 and 2 more transcripts); c.3240C>T, p.Ala1080= (NM_001370132.1); c.2589C>T, p.Ala863= (NM_001370133.1); c.2193C>T, p.Ala731= (NM_001370134.1); c.1935C>T, p.Ala645= (NM_001370135.1); c.4278C>T, p.Ala1426= (NM_001370136.1, NM_001370137.1); c.3213C>T, p.Ala1071= (NM_001370143.1, NM_001370144.1).
Identifiers: ClinVar variation 260245 (VCV000260245.59), dbSNP rs3740322, ClinGen allele CA5565010.